The following is an entry in ClinVar:

NM_002103.5(GYS1):c.1539del (p.Tyr514fs)

Gene: GYS1 (glycogen synthase 1; minus strand). Cytogenetic location: 19q13.33.
Variant type: Deletion.
Coding change: c.1539del on transcript NM_002103.5 (MANE Select); coding-DNA position 1539, one base deleted (C; older notation c.1539delC).
Protein change: p.Tyr514fs; shifts the reading frame from tyrosine 514.
Molecular consequence: frameshift variant. On other transcripts: non-coding transcript variant (1).
Genome position (GRCh38, 1-based): chr19:48,974,223, G deleted on the plus strand (C on the coding strand, the reverse complement: GYS1 is on the minus strand). VCF-style (leftmost placement, unchanged base first): chr19-48974222-AG-A. GRCh37 (hg19) VCF-style: chr19-49477479-AG-A.
Other names: c.1347del, p.Tyr450fs (NM_001161587.2); short protein forms Y514fs, Y450fs.
Identifiers: ClinVar variation 2818809 (VCV002818809.3), dbSNP rs2513710502, ClinGen allele CA2739276929.
Genomic context (GRCh38, chr19:48,974,222, plus strand): 5'-AGCTCTGACTAGGATGCCATGACCACGCTGTCCCCTGCCCACTACACTCACCCGGTGTGT[AG>A]CCCCAAGGCTCATAGTAGGAGGGGAAGACTCCAAGGTGACAGCCACGGACAAACTCCTCA-3'

ClinVar aggregate classification (germline): Pathogenic (1 of 4 stars; one submission).

Conditions:
Glycogen storage disease due to muscle and heart glycogen synthase deficiency. Also called: GSD 0b; MUSCLE GLYCOGEN SYNTHASE DEFICIENCY. Identifiers: Orphanet 137625, MedGen C1969054, MONDO:0012693, OMIM 611556.

Submission:

Labcorp Genetics (formerly Invitae), Labcorp
Classification: Pathogenic for Glycogen storage disease due to muscle and heart glycogen synthase deficiency. Last evaluated: 2022-12-05. Review status: criteria provided, single submitter. Criteria: Invitae Variant Classification Sherloc (09022015). Collection method: clinical testing. Allele origin: germline.
Comment: For these reasons, this variant has been classified as Pathogenic. This variant has not been reported in the literature in individuals affected with GYS1-related conditions. This variant is not present in population databases (gnomAD no frequency). This sequence change creates a premature translational stop signal (p.Tyr514Thrfs*88) in the GYS1 gene. It is expected to result in an absent or disrupted protein product. Loss-of-function variants in GYS1 are known to be pathogenic (PMID: 17928598, 19699667).

Literature cited by the submitters: PubMed 17928598; PubMed 19699667.